The following is an entry in ClinVar:

ClinVar aggregate classification (germline): Uncertain significance (1 of 4 stars; one submission).

Conditions:
Hajdu-Cheney syndrome (HJCYS). Also called: ACROOSTEOLYSIS WITH OSTEOPOROSIS AND CHANGES IN SKULL AND MANDIBLE; SERPENTINE FIBULA-POLYCYSTIC KIDNEY SYNDROME; Acroosteolysis dominant type. Identifiers: Orphanet 955, MedGen C0917715, MONDO:0007057, OMIM 102500.

Submission:

Labcorp Genetics (formerly Invitae), Labcorp
Classification: Uncertain significance for Hajdu-Cheney syndrome. Last evaluated: 2024-12-05. Review status: criteria provided, single submitter. Criteria: Invitae Variant Classification Sherloc (09022015). Collection method: clinical testing. Allele origin: germline.
Comment: This sequence change replaces aspartic acid, which is acidic and polar, with valine, which is neutral and non-polar, at codon 606 of the NOTCH2 protein (p.Asp606Val). This variant is not present in population databases (gnomAD no frequency). This variant has not been reported in the literature in individuals affected with NOTCH2-related conditions. ClinVar contains an entry for this variant (Variation ID: 1722065). Invitae Evidence Modeling of protein sequence and biophysical properties (such as structural, functional, and spatial information, amino acid conservation, physicochemical variation, residue mobility, and thermodynamic stability) indicates that this missense variant is not expected to disrupt NOTCH2 protein function with a negative predictive value of 80%. In summary, the available evidence is currently insufficient to determine the role of this variant in disease. Therefore, it has been classified as a Variant of Uncertain Significance.

NM_024408.4(NOTCH2):c.1817A>T (p.Asp606Val)

Gene: NOTCH2 (notch receptor 2; minus strand). Cytogenetic location: 1p12.
Variant type: single nucleotide variant.
Coding change: c.1817A>T on transcript NM_024408.4 (MANE Select); coding-DNA position 1817, A replaced by T.
Protein change: p.Asp606Val; replaces aspartic acid 606 with valine.
Molecular consequence: missense variant.
Genome position (GRCh38, 1-based): chr1:119,963,672, T>A on the plus strand (A>T on the coding strand, the complement: NOTCH2 is on the minus strand). VCF-style: chr1-119963672-T-A. GRCh37 (hg19) VCF-style: chr1-120506295-T-A.
Other names: c.1817A>T, p.Asp606Val (NM_001200001.2); short protein forms D606V.
Identifiers: ClinVar variation 1722065 (VCV001722065.6), dbSNP rs2101136872, ClinGen allele CA341873089.
Genomic context (GRCh38, chr1:119,963,672, plus strand): 5'-ACCAGGTCAATGCAGCGACCATCGTTCAGGCAAGGGCTGCTGTAACATTCATCAATCTGG[T>A]CACTGCAGATGGCGCCCATGTACCCGGGATTGCAGATGCAGGTGTAGGAATCAATACCAT-3'
Protein context (NP_077719.2, residues 596-616): NPGYMGAICS[Asp606Val]QIDECYSSPC